The following is an entry in ClinVar:

ClinVar aggregate classification (germline): Uncertain significance (1 of 4 stars; one submission).

Conditions:
Tuberous sclerosis 2 (TSC2). Identifiers: Orphanet 805, MedGen C1860707, MONDO:0013199, OMIM 613254.

Submission:

Labcorp Genetics (formerly Invitae), Labcorp
Classification: Uncertain significance for Tuberous sclerosis 2. Last evaluated: 2024-03-21. Review status: criteria provided, single submitter. Criteria: Invitae Variant Classification Sherloc (09022015). Collection method: clinical testing. Allele origin: germline.
Comment: This sequence change replaces proline, which is neutral and non-polar, with serine, which is neutral and polar, at codon 1446 of the TSC2 protein (p.Pro1446Ser). This variant is not present in population databases (gnomAD no frequency). This variant has not been reported in the literature in individuals affected with TSC2-related conditions. Advanced modeling of protein sequence and biophysical properties (such as structural, functional, and spatial information, amino acid conservation, physicochemical variation, residue mobility, and thermodynamic stability) performed at Invitae indicates that this missense variant is not expected to disrupt TSC2 protein function with a negative predictive value of 95%. Algorithms developed to predict the effect of sequence changes on RNA splicing suggest that this variant may create or strengthen a splice site. In summary, the available evidence is currently insufficient to determine the role of this variant in disease. Therefore, it has been classified as a Variant of Uncertain Significance.

NM_000548.5(TSC2):c.4336C>T (p.Pro1446Ser)

Gene: TSC2 (TSC complex subunit 2; plus strand). Cytogenetic location: 16p13.3.
Variant type: single nucleotide variant.
Coding change: c.4336C>T on transcript NM_000548.5 (MANE Select); coding-DNA position 4336, C replaced by T.
Protein change: p.Pro1446Ser; replaces proline 1446 with serine.
Molecular consequence: missense variant. On other transcripts: non-coding transcript variant (5).
Genome position (GRCh38, 1-based): chr16:2,084,558, C>T. VCF-style: chr16-2084558-C-T. GRCh37 (hg19) VCF-style: chr16-2134559-C-T.
Other names: c.4135C>T, p.Pro1379Ser (NM_001077183.3); c.4267C>T, p.Pro1423Ser (NM_001114382.3); c.4027C>T, p.Pro1343Ser (NM_001318827.2); c.3991C>T, p.Pro1331Ser (NM_001318829.2); c.3604C>T, p.Pro1202Ser (NM_001318831.2); c.4168C>T, p.Pro1390Ser (NM_001318832.2); c.4138C>T, p.Pro1380Ser (NM_001363528.2); c.4204C>T, p.Pro1402Ser (NM_001370404.1); and 26 more; short protein forms P1226S, P1331S, P1379S, P1420S, P975S, P1179S, P1246S, P1330S.
Identifiers: ClinVar variation 3630369 (VCV003630369.2).
Genomic context (GRCh38, chr16:2,084,558, plus strand): 5'-GAAAGTGCTGCCTGGTCGGCCTCGGGCGAAGACAGTCGGGGCCAGCCCGAGGGTCCCTTG[C>T]CTTCCAGCTCCCCCCGCTCGCCCAGTGGCCTCCGGCCCCGAGGTTACACCATCTCCGACT-3'
Protein context (NP_000539.2, residues 1436-1456): DSRGQPEGPL[Pro1446Ser]SSSPRSPSGL